The following is an entry in ClinVar:

ClinVar aggregate classification (germline): Uncertain significance (1 of 4 stars; one submission).

Conditions:
Amyotrophic lateral sclerosis type 15. Also called: AMYOTROPHIC LATERAL SCLEROSIS 15 WITH FRONTOTEMPORAL DEMENTIA. Identifiers: Orphanet 803, MedGen C3275459, MONDO:0010459, OMIM 300857.

Allele frequency attached by ClinVar (database versions not stated): TOPMed below 0.00001; ExAC 0.00001; gnomAD 0.00001; ESP Exome Variant Server 0.00009.

Submission:

Labcorp Genetics (formerly Invitae), Labcorp
Classification: Uncertain significance for Amyotrophic lateral sclerosis type 15. Last evaluated: 2024-12-24. Review status: criteria provided, single submitter. Criteria: Invitae Variant Classification Sherloc (09022015). Collection method: clinical testing. Allele origin: germline.
Comment: This sequence change replaces serine, which is neutral and polar, with asparagine, which is neutral and polar, at codon 371 of the UBQLN2 protein (p.Ser371Asn). This variant is present in population databases (rs150671826, gnomAD no frequency). This variant has not been reported in the literature in individuals affected with UBQLN2-related conditions. ClinVar contains an entry for this variant (Variation ID: 2062128). Invitae Evidence Modeling of protein sequence and biophysical properties (such as structural, functional, and spatial information, amino acid conservation, physicochemical variation, residue mobility, and thermodynamic stability) indicates that this missense variant is not expected to disrupt UBQLN2 protein function with a negative predictive value of 80%. In summary, the available evidence is currently insufficient to determine the role of this variant in disease. Therefore, it has been classified as a Variant of Uncertain Significance.

NM_013444.4(UBQLN2):c.1112G>A (p.Ser371Asn)

Gene: UBQLN2 (ubiquilin 2; plus strand). Cytogenetic location: Xp11.21.
Variant type: single nucleotide variant.
Coding change: c.1112G>A on transcript NM_013444.4 (MANE Select); coding-DNA position 1112, G replaced by A.
Protein change: p.Ser371Asn; replaces serine 371 with asparagine.
Molecular consequence: missense variant.
Genome position (GRCh38, 1-based): chrX:56,564,985, G>A. VCF-style: chrX-56564985-G-A. GRCh37 (hg19) VCF-style: chrX-56591418-G-A.
Other names: short protein forms S371N.
Identifiers: ClinVar variation 2062128 (VCV002062128.4), dbSNP rs150671826, ClinGen allele CA10430128.
Genomic context (GRCh38, chrX:56,564,985, plus strand): 5'-GGAACACCGTTGCTGCCGCTAATTATGTCGCCAGCATCTTTAGTACCCCAGGCATGCAGA[G>A]CCTGCTGCAACAGATAACTGAAAACCCCCAGCTGATTCAGAATATGCTGTCGGCGCCCTA-3'
Protein context (NP_038472.2, residues 361-381): ASIFSTPGMQ[Ser371Asn]LLQQITENPQ